The following is an entry in ClinVar:

NM_006785.4(MALT1):c.628G>A (p.Asp210Asn)

Gene: MALT1 (MALT1 paracaspase; plus strand). Cytogenetic location: 18q21.32.
Variant type: single nucleotide variant.
Coding change: c.628G>A on transcript NM_006785.4 (MANE Select); coding-DNA position 628, G replaced by A.
Protein change: p.Asp210Asn; replaces aspartic acid 210 with asparagine.
Molecular consequence: missense variant.
Genome position (GRCh38, 1-based): chr18:58,700,570, G>A. VCF-style: chr18-58700570-G-A. GRCh37 (hg19) VCF-style: chr18-56367802-G-A.
Other names: c.628G>A, p.Asp210Asn (NM_173844.3); short protein forms D210N.
Identifiers: ClinVar variation 1521380 (VCV001521380.8), dbSNP rs775236927, ClinGen allele CA8977671.
Genomic context (GRCh38, chr18:58,700,570, plus strand): 5'-TGTCGAGTTAATAACAATTTCACCTTTGAATTCAGCCAGTGGTCACAGCTGGATGTTTGC[G>A]ACATCCCAGAGAGCTTCCAGAGTAAGTAACGAAAGAAGCTGAATGTTGGGATGGGGATTC-3'
Protein context (NP_006776.1, residues 200-220): FSQWSQLDVC[Asp210Asn]IPESFQRSVD

ClinVar aggregate classification (germline): Uncertain significance (1 of 4 stars; one submission).

Conditions:
Combined immunodeficiency due to MALT1 deficiency. Also called: Immunodeficiency 12. Identifiers: Orphanet 397964, MedGen C3809583, MONDO:0014197, OMIM 615468.

Allele frequency attached by ClinVar (database versions not stated): ExAC 0.00001; gnomAD 0.00001; gnomAD exomes 0.00001 and 0.00002; TOPMed 0.00002.
gnomAD v4.1: 11 of 1,607,408 alleles (0.00068%); highest among the groups gnomAD compares: Admixed American, 0.0034%; no homozygotes.

Submission:

Labcorp Genetics (formerly Invitae), Labcorp
Classification: Uncertain significance for Combined immunodeficiency due to MALT1 deficiency. Last evaluated: 2022-02-10. Review status: criteria provided, single submitter. Criteria: Invitae Variant Classification Sherloc (09022015). Collection method: clinical testing. Allele origin: germline.
Comment: In summary, the available evidence is currently insufficient to determine the role of this variant in disease. Therefore, it has been classified as a Variant of Uncertain Significance. Algorithms developed to predict the effect of missense changes on protein structure and function (SIFT, PolyPhen-2, Align-GVGD) all suggest that this variant is likely to be tolerated. This variant has not been reported in the literature in individuals affected with MALT1-related conditions. This variant is present in population databases (rs775236927, gnomAD 0.003%). This sequence change replaces aspartic acid, which is acidic and polar, with asparagine, which is neutral and polar, at codon 210 of the MALT1 protein (p.Asp210Asn).